The following is an entry in ClinVar:

ClinVar aggregate classification (germline): Conflicting classifications of pathogenicity. Review status: criteria provided, conflicting classifications (1 of 4 stars). 5 submissions from 5 submitters: Uncertain significance (4); Likely benign (1). Last evaluated 2025-01-10.

Conditions:
Hereditary cancer-predisposing syndrome. Also called: Hereditary Cancer Syndrome; Neoplastic Syndromes, Hereditary; Tumor predisposition; Hereditary neoplastic syndrome. Identifiers: Orphanet 140162, MedGen C0027672, MeSH D009386, MONDO:0015356.

Allele frequency attached by ClinVar (database versions not stated): gnomAD exomes below 0.00001; ExAC 0.00001.
gnomAD v4.1: 3 of 1,614,178 alleles (0.00019%); highest among the groups gnomAD compares: Admixed American, 0.0017%; no homozygotes.

Submissions (5):

Ambry Genetics
Classification: Likely benign for Hereditary cancer-predisposing syndrome. Last evaluated: 2025-01-10. Review status: criteria provided, single submitter. Criteria: Ambry Variant Classification Scheme 2023. Collection method: clinical testing. Allele origin: germline.

Labcorp Genetics (formerly Invitae), Labcorp
Classification: Uncertain significance. Last evaluated: 2024-06-03. Review status: criteria provided, single submitter. Criteria: Invitae Variant Classification Sherloc (09022015). Collection method: clinical testing. Allele origin: germline.
Comment: This sequence change replaces proline, which is neutral and non-polar, with serine, which is neutral and polar, at codon 1250 of the POLE protein (p.Pro1250Ser). This variant is present in population databases (rs769323549, gnomAD 0.003%). This variant has not been reported in the literature in individuals affected with POLE-related conditions. ClinVar contains an entry for this variant (Variation ID: 848490). Advanced modeling of protein sequence and biophysical properties (such as structural, functional, and spatial information, amino acid conservation, physicochemical variation, residue mobility, and thermodynamic stability) performed at Invitae indicates that this missense variant is not expected to disrupt POLE protein function with a negative predictive value of 80%. In summary, the available evidence is currently insufficient to determine the role of this variant in disease. Therefore, it has been classified as a Variant of Uncertain Significance.

CeGaT Center for Human Genetics Tuebingen
Classification: Uncertain significance. Last evaluated: 2023-11-01. Review status: criteria provided, single submitter. Criteria: CeGaT Center For Human Genetics Tuebingen Variant Classification Criteria Version 2. Collection method: clinical testing. Allele origin: germline. Affected: yes. Observed: 1 variant allele.
Comment: POLE: PM2, BP4

GeneDx
Classification: Uncertain significance. Last evaluated: 2021-05-06. Review status: criteria provided, single submitter. Criteria: GeneDx Variant Classification Process June 2021. Collection method: clinical testing. Allele origin: germline. Affected: yes.
Comment: Has not been previously published as pathogenic or benign to our knowledge; Not observed at a significant frequency in large population cohorts (Lek 2016); In silico analysis supports that this missense variant does not alter protein structure/function

Quest Diagnostics Nichols Institute San Juan Capistrano
Classification: Uncertain significance. Last evaluated: 2019-12-16. Review status: criteria provided, single submitter. Criteria: Quest Diagnostics criteria. Collection method: clinical testing. Allele origin: unknown.

NM_006231.4(POLE):c.3748C>T (p.Pro1250Ser)

Gene: POLE (DNA polymerase epsilon, catalytic subunit; minus strand). Cytogenetic location: 12q24.33.
Variant type: single nucleotide variant.
Coding change: c.3748C>T on transcript NM_006231.4 (MANE Select); coding-DNA position 3748, C replaced by T.
Protein change: p.Pro1250Ser; replaces proline 1250 with serine.
Molecular consequence: missense variant.
Genome position (GRCh38, 1-based): chr12:132,649,724, G>A on the plus strand (C>T on the coding strand, the complement: POLE is on the minus strand). VCF-style: chr12-132649724-G-A. GRCh37 (hg19) VCF-style: chr12-133226310-G-A.
Other names: short protein forms P1250S.
Identifiers: ClinVar variation 848490 (VCV000848490.35), dbSNP rs769323549, ClinGen allele CA6893120.
Genomic context (GRCh38, chr12:132,649,724, plus strand): 5'-CTGTGTGCCTTACCTGGCTGGTTCCCAGGGCGGGAGGCTGCCCCAAGATTTCCTGCCAGG[G>A]CACAGTCGGCGTGAGGTCCTGGGACTCCTCCTGGCTCTCCCAAAGAACTCGCTTCCTCTT-3'
Protein context (NP_006222.2, residues 1240-1260): EESQDLTPTV[Pro1250Ser]WQEILGQPPA